The following is an entry in ClinVar:

NM_014053.4(FLVCR1):c.899dup (p.Arg301fs)

Gene: FLVCR1 (FLVCR choline and heme transporter 1; plus strand). Cytogenetic location: 1q32.3.
Variant type: Duplication.
Coding change: c.899dup on transcript NM_014053.4 (MANE Select); coding-DNA position 899, one base duplicated (C; older notation c.899dupC).
Protein change: p.Arg301fs; shifts the reading frame from arginine 301.
Molecular consequence: frameshift variant.
Genome position (GRCh38, 1-based): chr1:212,872,693, C duplicated; the last of 2 consecutive C bases (chr1:212,872,692-212,872,693); duplicating either gives the same sequence. VCF-style (leftmost placement, unchanged base first): chr1-212872691-A-AC. GRCh37 (hg19) VCF-style: chr1-213046033-A-AC.
Other names: short protein forms R301fs.
Identifiers: ClinVar variation 4074396 (VCV004074396.1).

ClinVar aggregate classification (germline): Pathogenic (1 of 4 stars; one submission).

Submission:

GeneDx
Classification: Pathogenic. Last evaluated: 2025-02-04. Review status: criteria provided, single submitter. Criteria: GeneDx Variant Classification Process June 2021. Collection method: clinical testing. Allele origin: germline. Affected: yes.
Comment: Reported in an unaffected carrier; however, no further information was provided (PMID: 31964843); Not observed at significant frequency in large population cohorts (gnomAD); Frameshift variant predicted to result in protein truncation or nonsense mediated decay in a gene for which loss of function is a known mechanism of disease; This variant is associated with the following publications: (PMID: 31964843)